The following is an entry in ClinVar:

ClinVar aggregate classification (germline): Uncertain significance. Review status: criteria provided, multiple submitters, no conflicts (2 of 4 stars). 4 submissions from 4 submitters: Uncertain significance (3). 1 of the submissions does not count toward it. Last evaluated 2026-04-23.

Conditions:
Inborn genetic diseases. Identifiers: MedGen C0950123, MeSH D030342.
3-methylglutaconic aciduria, type VIIB (MGCA7B). Also called: 3-methylglutaconic aciduria, type VII, with cataracts, neurologic involvement and neutropenia; CLPB Deficiency; 3-methylglutaconic aciduria with cataracts, neurologic involvement and neutropenia. Identifiers: Orphanet 445038, MedGen C5676893, MONDO:0014561, OMIM 616271.
Neutropenia, severe congenital, 9, autosomal dominant. Identifiers: MedGen C5676954, MONDO:0030726, OMIM 619813.

Allele frequency attached by ClinVar (database versions not stated): TOPMed 0.00002.
gnomAD v4.1: 24 of 1,612,190 alleles (0.0015%); highest among the groups gnomAD compares: Admixed American, 0.0033%; no homozygotes.

Submissions (4):

Women's Health and Genetics/Laboratory Corporation of America, LabCorp
Classification: Uncertain significance. Last evaluated: 2026-04-23. Review status: criteria provided, single submitter. Criteria: LabCorp Variant Classification Summary - May 2015. Collection method: clinical testing. Allele origin: germline.
Comment: Variant summary: CLPB c.1885C>T (p.Arg629Cys) results in a non-conservative amino acid change in the encoded protein sequence. Algorithms developed to predict the effect of missense changes on protein structure and function are either unavailable or do not agree on the potential impact of this missense change. The variant allele was found at a frequency of 1.2e-05 in 250204 control chromosomes (gnomAD). The available data on variant occurrences in the general population are insufficient to allow any conclusion about variant significance. c.1885C>T has been observed in one individual affected with congenital neutropenia (Bbol-Pokora_2025). The report does not provide unequivocal conclusions about association of the variant with 3-methylglutaconic aciduria, type VIIB. To our knowledge, no experimental evidence demonstrating an impact on protein function has been reported. The following publication have been ascertained in the context of this evaluation (PMID: 41383606). ClinVar contains an entry for this variant (Variation ID: 936562). Based on the evidence outlined above, the variant was classified as uncertain significance.

Labcorp Genetics (formerly Invitae), Labcorp
Classification: Uncertain significance for 3-methylglutaconic aciduria, type VIIB. Last evaluated: 2025-09-09. Review status: criteria provided, single submitter. Criteria: Invitae Variant Classification Sherloc (09022015). Collection method: clinical testing. Allele origin: germline.
Comment: This sequence change replaces arginine, which is basic and polar, with cysteine, which is neutral and slightly polar, at codon 629 of the CLPB protein (p.Arg629Cys). This variant is present in population databases (rs369227883, gnomAD 0.003%). This variant has not been reported in the literature in individuals affected with CLPB-related conditions. ClinVar contains an entry for this variant (Variation ID: 936562). An algorithm developed to predict the effect of missense changes on protein structure and function (PolyPhen-2) suggests that this variant is likely to be disruptive. In summary, the available evidence is currently insufficient to determine the role of this variant in disease. Therefore, it has been classified as a Variant of Uncertain Significance.

Ambry Genetics
Classification: Uncertain significance for Inborn genetic diseases. Last evaluated: 2025-06-23. Review status: criteria provided, single submitter. Criteria: Ambry Variant Classification Scheme 2023. Collection method: clinical testing. Allele origin: germline.

Laboratory of Immunopathology and Genetics, Medical Laboratory of Pediatric Oncology and Hematology, Central Clinical Hospital of the Medical University of Lodz
Classification: Likely pathogenic for Neutropenia, severe congenital, 9, autosomal dominant. Last evaluated: 2024-12-01. Review status: no assertion criteria provided. Collection method: clinical testing. Allele origin: germline. Affected: yes. Observed: 3 variant alleles. Not counted in ClinVar's aggregate classification.

Literature cited by the submitters: PubMed 41383606 (cited by Women's Health and Genetics/Laboratory Corporation of America, LabCorp).

NM_001258392.3(CLPB):c.1795C>T (p.Arg599Cys)

Gene: CLPB (ClpB family mitochondrial disaggregase; minus strand). Cytogenetic location: 11q13.4.
Variant type: single nucleotide variant.
Coding change: c.1795C>T on transcript NM_001258392.3 (MANE Select); coding-DNA position 1795, C replaced by T.
Protein change: p.Arg599Cys; replaces arginine 599 with cysteine.
Molecular consequence: missense variant.
Genome position (GRCh38, 1-based): chr11:72,293,606, G>A on the plus strand (C>T on the coding strand, the complement: CLPB is on the minus strand). VCF-style: chr11-72293606-G-A. GRCh37 (hg19) VCF-style: chr11-72004650-G-A.
Other names: c.1708C>T, p.Arg570Cys (NM_001258393.3); c.1750C>T, p.Arg584Cys (NM_001258394.3); c.1885C>T, p.Arg629Cys (NM_030813.6); c.1885C>T (NM_030813.3); short protein forms R599C, R570C, R584C, R629C.
Identifiers: ClinVar variation 936562 (VCV000936562.13), dbSNP rs369227883, ClinGen allele CA6171021.